The following is an entry in ClinVar:

ClinVar aggregate classification (germline): Benign/Likely benign. Review status: criteria provided, multiple submitters, no conflicts (2 of 4 stars). 3 submissions from 3 submitters: Benign (1); Likely benign (1). 1 of the submissions does not count toward it. Last evaluated 2026-01-21.

Conditions:
Prolidase deficiency. Identifiers: Orphanet 742, MedGen C0268532, MONDO:0008221, OMIM 170100.
PEPD-related disorder. Also called: PEPD-related condition.

Allele frequency attached by ClinVar (database versions not stated): gnomAD below 0.00001 and 0.00011; TOPMed 0.00003; gnomAD exomes 0.00018 and 0.00042; ExAC 0.00046; 1000 Genomes Project 30x 0.00062; 1000 Genomes Project 0.00080.
gnomAD v4.1: 291 of 1,614,004 alleles (0.018%); highest among the groups gnomAD compares: South Asian, 0.29%; 2 homozygotes.

Submissions (3):

Labcorp Genetics (formerly Invitae), Labcorp
Classification: Benign. Last evaluated: 2026-01-21. Review status: criteria provided, single submitter. Criteria: Invitae Variant Classification Sherloc (09022015). Collection method: clinical testing. Allele origin: germline.

Illumina Laboratory Services, Illumina
Classification: Likely benign for Prolidase deficiency. Last evaluated: 2018-01-13. Review status: criteria provided, single submitter. Criteria: ICSL Variant Classification Criteria 13 December 2019. Collection method: clinical testing. Allele origin: germline.
Comment: This variant was observed in the ICSL laboratory as part of a predisposition screen in an ostensibly healthy population. It had not been previously curated by ICSL or reported in the Human Gene Mutation Database (HGMD: prior to June 1st, 2018), and was therefore a candidate for classification through an automated scoring system. Utilizing variant allele frequency, disease prevalence and penetrance estimates, and inheritance mode, an automated score was calculated to assess if this variant is too frequent to cause the disease. Based on the score and internal cut-off values, a variant classified as likely benign is not then subjected to further curation. The score for this variant resulted in a classification of likely benign for this disease.

PreventionGenetics, part of Exact Sciences
Classification: Likely benign for PEPD-related condition. Last evaluated: 2019-04-08. Review status: no assertion criteria provided. Collection method: clinical testing. Allele origin: germline. Not counted in ClinVar's aggregate classification.
Comment: This variant is classified as likely benign based on ACMG/AMP sequence variant interpretation guidelines (Richards et al. 2015 PMID: 25741868, with internal and published modifications).

NM_000285.4(PEPD):c.1470T>C (p.Ser490=)

Gene: PEPD (peptidase D; minus strand). Cytogenetic location: 19q13.11.
Variant type: single nucleotide variant.
Coding change: c.1470T>C on transcript NM_000285.4 (MANE Select); coding-DNA position 1470, T replaced by C.
Protein change: p.Ser490=; no amino-acid change (serine 490 retained).
Molecular consequence: synonymous variant.
Genome position (GRCh38, 1-based): chr19:33,387,356, A>G on the plus strand (T>C on the coding strand, the complement: PEPD is on the minus strand). VCF-style: chr19-33387356-A-G. GRCh37 (hg19) VCF-style: chr19-33878262-A-G.
Other names: c.1347T>C, p.Ser449= (NM_001166056.2); c.1278T>C, p.Ser426= (NM_001166057.2).
Identifiers: ClinVar variation 328783 (VCV000328783.14), dbSNP rs529823817, ClinGen allele CA9363850.
Genomic context (GRCh38, chr19:33,387,356, plus strand): 5'-GAGGTTGCAAGGCCAGGCCCCCAGGTGCGCTGGGATTTCTGGCTGGCTCTACTTGGGGCC[A>G]GAGAAGGGGGTAAAGGCCTTGTCACAGCCTGCCATGCATGCTTCAATCTCTTCCACAGTG-3'
Protein context (NP_000276.2, residues 480-493): AGCDKAFTPF[Ser490=]GPK